The following is an entry in ClinVar:

NM_007327.4(GRIN1):c.950C>T (p.Thr317Ile)

Gene: GRIN1 (glutamate ionotropic receptor NMDA type subunit 1; plus strand). Cytogenetic location: 9q34.3.
Variant type: single nucleotide variant.
Coding change: c.950C>T on transcript NM_007327.4 (MANE Select); coding-DNA position 950, C replaced by T.
Protein change: p.Thr317Ile; replaces threonine 317 with isoleucine.
Molecular consequence: missense variant.
Genome position (GRCh38, 1-based): chr9:137,157,019, C>T. VCF-style: chr9-137157019-C-T. GRCh37 (hg19) VCF-style: chr9-140051471-C-T.
Other names: c.950C>T, p.Thr317Ile (NM_000832.7, NM_021569.4); c.1013C>T, p.Thr338Ile (NM_001185090.2, NM_001185091.2); short protein forms T317I, T338I.
Identifiers: ClinVar variation 3234021 (VCV003234021.1), dbSNP rs2538597896, ClinGen allele CA375715235.

ClinVar aggregate classification (germline): Uncertain significance (1 of 4 stars; one submission).

Conditions:
Neurodevelopmental disorder with or without hyperkinetic movements and seizures, autosomal dominant. Also called: Intellectual disability, autosomal dominant 8. Identifiers: MedGen C3280282, MONDO:0013655, OMIM 614254.

Submission:

MVZ Medizinische Genetik Mainz
Classification: Uncertain significance for Neurodevelopmental disorder with or without hyperkinetic movements and seizures, autosomal dominant. Last evaluated: 2023-09-27. Review status: criteria provided, single submitter. Criteria: UK Practice Guidelines For Variant Classification V4 01 2020. Collection method: clinical testing. Allele origin: germline. Inheritance: Autosomal dominant inheritance. Affected: yes. Observed: 1 variant allele.
Comment: ACMG Criteria: PS4SUP,PM2_SUP,PP2,PP3